The following is an entry in ClinVar:

ClinVar aggregate classification (germline): Uncertain significance. Review status: criteria provided, multiple submitters, no conflicts (2 of 4 stars). 3 submissions from 3 submitters: Uncertain significance (3). Last evaluated 2026-08-28.

Conditions:
Dilated cardiomyopathy 1JJ (CMD1JJ). Identifiers: Orphanet 154, MedGen C3808935, MONDO:0014095, OMIM 615235.
Cardiovascular phenotype. Identifiers: MedGen CN230736.

Allele frequency attached by ClinVar (database versions not stated): ExAC 0.00002; gnomAD exomes below 0.00001 and 0.00001; ESP Exome Variant Server 0.00008.
gnomAD v4.1: 5 of 1,614,030 alleles (0.00031%); highest among the groups gnomAD compares: Non-Finnish European, 0.00042%; no homozygotes.

Submissions (3):

GeneDx
Classification: Uncertain significance. Last evaluated: 2026-08-28. Review status: criteria provided, single submitter. Criteria: GeneDx Variant Classification Process June 2021. Collection method: clinical testing. Allele origin: germline.
Comment: Not observed at significant frequency in large population cohorts (gnomAD); In silico analysis suggests that this missense variant does not alter protein structure/function; Has not been previously published as pathogenic or benign to our knowledge

Ambry Genetics
Classification: Uncertain significance for Cardiovascular phenotype. Last evaluated: 2025-09-17. Review status: criteria provided, single submitter. Criteria: Ambry Variant Classification Scheme 2023. Collection method: clinical testing. Allele origin: germline.
Comment: The p.L1568P variant (also known as c.4703T>C), located in coding exon 33 of the LAMA4 gene, results from a T to C substitution at nucleotide position 4703. The leucine at codon 1568 is replaced by proline, an amino acid with similar properties. This amino acid position is conserved. In addition, this alteration is predicted to be deleterious by in silico analysis. Since supporting evidence is limited at this time, the clinical significance of this alteration remains unclear.

Labcorp Genetics (formerly Invitae), Labcorp
Classification: Uncertain significance for Dilated cardiomyopathy 1JJ. Last evaluated: 2025-09-03. Review status: criteria provided, single submitter. Criteria: Invitae Variant Classification Sherloc (09022015). Collection method: clinical testing. Allele origin: germline.
Comment: This sequence change replaces leucine, which is neutral and non-polar, with proline, which is neutral and non-polar, at codon 1568 of the LAMA4 protein (p.Leu1568Pro). This variant is present in population databases (rs372502180, gnomAD 0.004%). This variant has not been reported in the literature in individuals affected with LAMA4-related conditions. ClinVar contains an entry for this variant (Variation ID: 651076). Invitae Evidence Modeling of protein sequence and biophysical properties (such as structural, functional, and spatial information, amino acid conservation, physicochemical variation, residue mobility, and thermodynamic stability) indicates that this missense variant is not expected to disrupt LAMA4 protein function with a negative predictive value of 80%. In summary, the available evidence is currently insufficient to determine the role of this variant in disease. Therefore, it has been classified as a Variant of Uncertain Significance.

NM_001105206.3(LAMA4):c.4724T>C (p.Leu1575Pro)

Gene: LAMA4 (laminin subunit alpha 4; minus strand). Cytogenetic location: 6q21.
Variant type: single nucleotide variant.
Coding change: c.4724T>C on transcript NM_001105206.3 (MANE Select); coding-DNA position 4724, T replaced by C.
Protein change: p.Leu1575Pro; replaces leucine 1575 with proline.
Molecular consequence: missense variant.
Genome position (GRCh38, 1-based): chr6:112,119,253, A>G on the plus strand (T>C on the coding strand, the complement: LAMA4 is on the minus strand). VCF-style: chr6-112119253-A-G. GRCh37 (hg19) VCF-style: chr6-112440456-A-G.
Other names: c.4703T>C, p.Leu1568Pro (NM_001105207.3, NM_002290.5); short protein forms L1568P, L1575P.
Identifiers: ClinVar variation 651076 (VCV000651076.13), dbSNP rs372502180, ClinGen allele CA3964918.